The following is an entry in ClinVar:

NM_020778.5(ALPK3):c.4952A>G (p.Gln1651Arg)

Gene: ALPK3 (alpha kinase 3; plus strand). Cytogenetic location: 15q25.3.
Variant type: single nucleotide variant.
Coding change: c.4952A>G on transcript NM_020778.5 (MANE Select); coding-DNA position 4952, A replaced by G.
Protein change: p.Gln1651Arg; replaces glutamine 1651 with arginine.
Molecular consequence: missense variant.
Genome position (GRCh38, 1-based): chr15:84,868,290, A>G. VCF-style: chr15-84868290-A-G. GRCh37 (hg19) VCF-style: chr15-85411521-A-G.
Other names: short protein forms Q1651R.
Identifiers: ClinVar variation 3859341 (VCV003859341.1).

ClinVar aggregate classification (germline): Uncertain significance (1 of 4 stars; one submission).

Conditions:
Cardiovascular phenotype. Identifiers: MedGen CN230736.

Submission:

Ambry Genetics
Classification: Uncertain significance for Cardiovascular phenotype. Last evaluated: 2025-01-16. Review status: criteria provided, single submitter. Criteria: Ambry Variant Classification Scheme 2023. Collection method: clinical testing. Allele origin: germline.
Comment: The p.Q1853R variant (also known as c.5558A>G), located in coding exon 14 of the ALPK3 gene, results from an A to G substitution at nucleotide position 5558. The glutamine at codon 1853 is replaced by arginine, an amino acid with highly similar properties. This amino acid position is conserved. In addition, this alteration is predicted to be tolerated by in silico analysis. Based on the available evidence, the clinical significance of this variant remains unclear.